The following is an entry in ClinVar:

ClinVar aggregate classification (germline): Uncertain significance (1 of 4 stars; one submission).

Conditions:
Hereditary cancer-predisposing syndrome. Also called: Neoplastic Syndromes, Hereditary; Tumor predisposition; Hereditary Cancer Syndrome; Hereditary neoplastic syndrome. Identifiers: Orphanet 140162, MedGen C0027672, MeSH D009386, MONDO:0015356.

Submission:

Ambry Genetics
Classification: Uncertain significance for Hereditary cancer-predisposing syndrome. Last evaluated: 2021-09-13. Review status: criteria provided, single submitter. Criteria: Ambry Variant Classification Scheme 2023. Collection method: clinical testing. Allele origin: germline.
Comment: The p.T305I variant (also known as c.914C>T), located in coding exon 4 of the MSH6 gene, results from a C to T substitution at nucleotide position 914. The threonine at codon 305 is replaced by isoleucine, an amino acid with similar properties. This amino acid position is poorly conserved in available vertebrate species. In addition, this alteration is predicted to be tolerated by in silico analysis. Since supporting evidence is limited at this time, the clinical significance of this alteration remains unclear.

NM_000179.3(MSH6):c.914C>T (p.Thr305Ile)

Gene: MSH6 (mutS homolog 6; plus strand). Cytogenetic location: 2p16.3.
Variant type: single nucleotide variant.
Coding change: c.914C>T on transcript NM_000179.3 (MANE Select); coding-DNA position 914, C replaced by T.
Protein change: p.Thr305Ile; replaces threonine 305 with isoleucine.
Molecular consequence: missense variant.
Genome position (GRCh38, 1-based): chr2:47,798,897, C>T. VCF-style: chr2-47798897-C-T. GRCh37 (hg19) VCF-style: chr2-48026036-C-T.
Other names: c.1010C>T, p.Thr337Ile (NM_001406802.1, NM_001406795.1); c.914C>T, p.Thr305Ile (NM_001406803.1, NM_001406808.1, NM_001406796.1 and 4 more transcripts); c.617C>T, p.Thr206Ile (NM_001406805.1, NM_001406797.1, NM_001406801.1 and 10 more transcripts); c.389C>T, p.Thr130Ile (NM_001406806.1, NM_001406807.1, NM_001406799.1); c.836C>T, p.Thr279Ile (NM_001406804.1); c.524C>T, p.Thr175Ile (NM_001281492.2); c.8C>T, p.Thr3Ile (NM_001281493.2, NM_001281494.2, NM_001406811.1 and 6 more transcripts); c.920C>T, p.Thr307Ile (NM_001406813.1); and 1 more; short protein forms T206I, T305I, T307I, T3I, T130I, T175I, T249I, T279I.
Identifiers: ClinVar variation 1765963 (VCV001765963.2), dbSNP rs2104306041, ClinGen allele CA346740728.